The following is an entry in ClinVar:

ClinVar aggregate classification (germline): Uncertain significance (1 of 4 stars; one submission).

Conditions:
PLCB4-related disorder. Also called: PLCB4-related condition.

gnomAD v4.1: 17 of 1,529,676 alleles (0.0011%); highest among the groups gnomAD compares: South Asian, 0.018%; no homozygotes.

Submission:

PreventionGenetics, part of Exact Sciences
Classification: Uncertain significance for PLCB4-related condition. Last evaluated: 2025-03-17. Review status: criteria provided, single submitter. Criteria: ACMG Guidelines, 2015. Collection method: clinical testing. Allele origin: germline.
Comment: The PLCB4 c.680A>G variant is predicted to result in the amino acid substitution p.Lys227Arg. To our knowledge, this variant has not been reported in the literature. This variant is reported in 0.018% of alleles in individuals of South Asian descent in gnomAD. At this time, the clinical significance of this variant is uncertain due to the absence of conclusive functional and genetic evidence.

NM_001377142.1(PLCB4):c.680A>G (p.Lys227Arg)

Gene: PLCB4 (phospholipase C beta 4; plus strand). Cytogenetic location: 20p12.2.
Variant type: single nucleotide variant.
Coding change: c.680A>G on transcript NM_001377142.1 (MANE Select); coding-DNA position 680, A replaced by G.
Protein change: p.Lys227Arg; replaces lysine 227 with arginine.
Molecular consequence: missense variant.
Genome position (GRCh38, 1-based): chr20:9,372,397, A>G. VCF-style: chr20-9372397-A-G. GRCh37 (hg19) VCF-style: chr20-9353044-A-G.
Other names: c.680A>G, p.Lys227Arg (NM_000933.4, NM_001172646.2, NM_001377134.2 and 4 more transcripts); short protein forms K227R.
Identifiers: ClinVar variation 4986629 (VCV004986629.1).
Genomic context (GRCh38, chr20:9,372,397, plus strand): 5'-AAAAGTTCTATGAACTGACACAAAAGATTTGTCCTCGGACAGATATAGAAGATCTTTTCA[A>G]AAAAATGTAAGTTCCACTTATGAGGAAGTGCCATATAAATATTATCACTGTCCTTTTCGA-3'
Protein context (NP_001364071.1, residues 217-237): CPRTDIEDLF[Lys227Arg]KINGDKTDYL